The following is an entry in ClinVar:

ClinVar aggregate classification (germline): Uncertain significance (0 of 4 stars; one submission).

Conditions:
COL4A1-related disorder. Also called: COL4A1-related condition; COL4A1-related disorders. Identifiers: MedGen CN376119, MONDO:0800461.

Submissions (2):

PreventionGenetics, part of Exact Sciences
Classification: Uncertain significance for COL4A1-related condition. Last evaluated: 2024-01-30. Review status: no assertion criteria provided. Collection method: clinical testing. Allele origin: germline.
Comment: The COL4A1 c.1897G>T variant is predicted to result in the amino acid substitution p.Gly633Cys. To our knowledge, this variant has not been reported in the literature or in a large population database, indicating this variant is rare. At this time, the clinical significance of this variant is uncertain due to the absence of conclusive functional and genetic evidence.

Dr. Peter K. Rogan Lab, Western University
No classification provided (evidence only). Condition: Melanoma. Review status: no classification provided. Collection method: in vitro. Allele origin: not applicable. Functional consequence: retained intron. Not counted in ClinVar's aggregate classification.

NM_001845.6(COL4A1):c.1897G>T (p.Gly633Cys)

Gene: COL4A1 (collagen type IV alpha 1 chain; minus strand). Cytogenetic location: 13q34.
Variant type: single nucleotide variant.
Coding change: c.1897G>T on transcript NM_001845.6 (MANE Select); coding-DNA position 1897, G replaced by T.
Protein change: p.Gly633Cys; replaces glycine 633 with cysteine.
Molecular consequence: missense variant.
Genome position (GRCh38, 1-based): chr13:110,186,385, C>A on the plus strand (G>T on the coding strand, the complement: COL4A1 is on the minus strand). VCF-style: chr13-110186385-C-A. GRCh37 (hg19) VCF-style: chr13-110838732-C-A.
Other names: NC_000013.10:g.110838732C>A; short protein forms G633C.
Identifiers: ClinVar variation 3061169 (VCV003061169.3), dbSNP rs2501798142, ClinGen allele CA388722514.